The following is an entry in ClinVar:

NM_004984.4(KIF5A):c.1240C>T (p.Arg414Trp)

Gene: KIF5A (kinesin family member 5A; plus strand). Cytogenetic location: 12q13.3.
Variant type: single nucleotide variant.
Coding change: c.1240C>T on transcript NM_004984.4 (MANE Select); coding-DNA position 1240, C replaced by T.
Protein change: p.Arg414Trp; replaces arginine 414 with tryptophan.
Molecular consequence: missense variant.
Genome position (GRCh38, 1-based): chr12:57,570,109, C>T. VCF-style: chr12-57570109-C-T. GRCh37 (hg19) VCF-style: chr12-57963892-C-T.
Other names: c.973C>T, p.Arg325Trp (NM_001354705.2); short protein forms R325W, R414W.
Identifiers: ClinVar variation 1031492 (VCV001031492.5), dbSNP rs758500897, ClinGen allele CA6652798.

ClinVar aggregate classification (germline): Conflicting classifications of pathogenicity. Review status: criteria provided, conflicting classifications (1 of 4 stars). 2 submissions from 2 submitters: Uncertain significance (1); Likely benign (1). Last evaluated 2023-01-31.

Conditions:
Myoclonus, intractable, neonatal (NEIMY). Identifiers: MedGen C4310658, MONDO:0014979, OMIM 617235.
Spastic paraplegia. Identifiers: MedGen C0037772, HP:0001258.

Allele frequency attached by ClinVar (database versions not stated): ExAC 0.00001; gnomAD exomes 0.00001.
gnomAD v4.1: 7 of 1,614,152 alleles (0.00043%); highest among the groups gnomAD compares: East Asian, 0.0022%; no homozygotes.

Submissions (2):

Labcorp Genetics (formerly Invitae), Labcorp
Classification: Likely benign for Spastic paraplegia. Last evaluated: 2023-01-31. Review status: criteria provided, single submitter. Criteria: Invitae Variant Classification Sherloc (09022015). Collection method: clinical testing. Allele origin: germline.

Baylor Genetics
Classification: Uncertain significance for Myoclonus, intractable, neonatal. Last evaluated: 2018-01-16. Review status: criteria provided, single submitter. Criteria: ACMG Guidelines, 2015. Collection method: clinical testing. Allele origin: maternal. Affected: yes.
Comment: This variant was determined to be of uncertain significance according to ACMG Guidelines, 2015 [PMID:25741868].